The following is an entry in ClinVar:

NM_017433.5(MYO3A):c.2228A>G (p.Tyr743Cys)

Gene: MYO3A (myosin IIIA; plus strand). Cytogenetic location: 10p12.1.
Variant type: single nucleotide variant.
Coding change: c.2228A>G on transcript NM_017433.5 (MANE Select); coding-DNA position 2228, A replaced by G.
Protein change: p.Tyr743Cys; replaces tyrosine 743 with cysteine.
Molecular consequence: missense variant.
Genome position (GRCh38, 1-based): chr10:26,128,504, A>G. VCF-style: chr10-26128504-A-G. GRCh37 (hg19) VCF-style: chr10-26417433-A-G.
Other names: c.2228A>G (NM_017433.4); short protein forms Y743C.
Identifiers: ClinVar variation 1369945 (VCV001369945.10), dbSNP rs372097677, ClinGen allele CA5444903.

ClinVar aggregate classification (germline): Uncertain significance. Review status: criteria provided, multiple submitters, no conflicts (2 of 4 stars). 5 submissions from 5 submitters: Uncertain significance (5). Last evaluated 2026-01-07.

Conditions:
Inborn genetic diseases. Identifiers: MedGen C0950123, MeSH D030342.
MYO3A-related disorder. Also called: MYO3A-related condition.

Allele frequency attached by ClinVar (database versions not stated): ExAC 0.00003; gnomAD 0.00003; gnomAD exomes 0.00004; TOPMed 0.00004; ESP Exome Variant Server 0.00008.
gnomAD v4.1: 60 of 1,612,442 alleles (0.0037%); highest among the groups gnomAD compares: Non-Finnish European, 0.0048%; no homozygotes.

Submissions (5):

GeneDx
Classification: Uncertain significance. Last evaluated: 2026-01-07. Review status: criteria provided, single submitter. Criteria: GeneDx Variant Classification Process June 2021. Collection method: clinical testing. Allele origin: germline.
Comment: In silico analysis supports that this missense variant has a deleterious effect on protein structure/function; Has not been previously published as pathogenic or benign to our knowledge

PreventionGenetics, part of Exact Sciences
Classification: Uncertain significance for MYO3A-related condition. Last evaluated: 2025-10-01. Review status: criteria provided, single submitter. Criteria: ACMG Guidelines, 2015. Collection method: clinical testing. Allele origin: germline.
Comment: The MYO3A c.2228A>G variant is predicted to result in the amino acid substitution p.Tyr743Cys. To our knowledge, this variant has not been reported in the literature. This variant is reported in 0.0086% of alleles in individuals of European (Non-Finnish) descent in gnomAD. At this time, the clinical significance of this variant is uncertain due to the absence of conclusive functional and genetic evidence.

Labcorp Genetics (formerly Invitae), Labcorp
Classification: Uncertain significance. Last evaluated: 2025-07-16. Review status: criteria provided, single submitter. Criteria: Invitae Variant Classification Sherloc (09022015). Collection method: clinical testing. Allele origin: germline.
Comment: This sequence change replaces tyrosine, which is neutral and polar, with cysteine, which is neutral and slightly polar, at codon 743 of the MYO3A protein (p.Tyr743Cys). This variant is present in population databases (rs372097677, gnomAD 0.007%). This variant has not been reported in the literature in individuals affected with MYO3A-related conditions. ClinVar contains an entry for this variant (Variation ID: 1369945). Invitae Evidence Modeling of protein sequence and biophysical properties (such as structural, functional, and spatial information, amino acid conservation, physicochemical variation, residue mobility, and thermodynamic stability) indicates that this missense variant is not expected to disrupt MYO3A protein function with a negative predictive value of 80%. In summary, the available evidence is currently insufficient to determine the role of this variant in disease. Therefore, it has been classified as a Variant of Uncertain Significance.

Ambry Genetics
Classification: Uncertain significance for Inborn genetic diseases. Last evaluated: 2024-08-27. Review status: criteria provided, single submitter. Criteria: Ambry Variant Classification Scheme 2023. Collection method: clinical testing. Allele origin: germline.

Blueprint Genetics
Classification: Uncertain significance. Last evaluated: 2024-07-30. Review status: criteria provided, single submitter. Criteria: ACMG Guidelines, 2015. Collection method: clinical testing. Allele origin: germline.